The following is an entry in ClinVar:

NM_000132.4(F8):c.2118_2119dup (p.Trp707fs)

Gene: F8 (coagulation factor VIII; minus strand). Cytogenetic location: Xq28.
Variant type: Duplication.
Coding change: c.2118_2119dup on transcript NM_000132.4 (MANE Select); coding-DNA positions 2118 to 2119, 2 bases duplicated (AT; older notation c.2118_2119dupAT).
Protein change: p.Trp707fs; shifts the reading frame from tryptophan 707.
Molecular consequence: frameshift variant.
Genome position (GRCh38, 1-based): chrX:154,931,671-154,931,672, AT duplicated on the plus strand (AT on the coding strand, the reverse complement: F8 is on the minus strand); duplicating any 2 consecutive bases within chrX:154,931,671-154,931,673 gives the same sequence; the c. name uses the placement nearest the transcript's 3' end. VCF-style (leftmost placement, unchanged base first): chrX-154931670-C-CAT. GRCh37 (hg19) VCF-style: chrX-154159945-C-CAT.
Other names: short protein forms W707fs.
Identifiers: ClinVar variation 1330966 (VCV001330966.7), dbSNP rs2124054281, ClinGen allele CA2573055191.

ClinVar aggregate classification (germline): Pathogenic (1 of 4 stars; one submission).

Conditions:
Hereditary factor VIII deficiency disease (HEMA). Also called: HEMOPHILIA, CLASSIC; AUTOSOMAL HEMOPHILIA A; Hemophilia A; Hemophilia A, congenital; HEM A; Factor 8 deficiency, congenital. Identifiers: Orphanet 98878, MedGen C0019069, MONDO:0010602, OMIM 306700.

Submission:

ARUP Laboratories, Molecular Genetics and Genomics, ARUP Laboratories
Classification: Pathogenic for Hereditary factor VIII deficiency disease. Last evaluated: 2021-08-03. Review status: criteria provided, single submitter. Criteria: ARUP Molecular Germline Variant Investigation Process 2021. Collection method: clinical testing. Allele origin: germline.
Comment: The F8 c.2118_2119dupAT; p.Trp707TyrfsTer16 variant, to our knowledge, is not reported in the medical literature or gene specific databases. This variant is also absent from the Genome Aggregation Database, indicating it is not a common polymorphism. This variant causes a frameshift by inserting two nucleotides, so it is predicted to result in a truncated protein or mRNA subject to nonsense-mediated decay. Additionally, another frameshift variant at this codon (c.2118dupA; p.Trp707MetfsTer23) has been reported in an individuals with severe hemophilia A and is considered disease causing (Gouw 2011). Based on available information, this variant is considered to be pathogenic. References: Gouw SC et al. Influence of the type of F8 gene mutation on inhibitor development in a single centre cohort of severe haemophilia A patients. Haemophilia. 2011 Mar;17(2):275-81. PMID: 21070499.